The following is an entry in ClinVar:

ClinVar aggregate classification (germline): Uncertain significance (1 of 4 stars; one submission).

gnomAD v4.1: 1 of 1,594,532 alleles (0.000063%); highest among the groups gnomAD compares: Non-Finnish European, 0.000086%; no homozygotes.

Submission:

Women's Health and Genetics/Laboratory Corporation of America, LabCorp
Classification: Uncertain significance. Last evaluated: 2021-02-12. Review status: criteria provided, single submitter. Criteria: LabCorp Variant Classification Summary - May 2015. Collection method: clinical testing. Allele origin: germline.
Comment: Variant summary: NBN c.2053T>G (p.Phe685Val) results in a non-conservative amino acid change located in the DNA repair Nbs1, C-terminal domain of the encoded protein sequence. Four of five in-silico tools predict a damaging effect of the variant on protein function. The variant was absent in 250648 control chromosomes. The available data on variant occurrences in the general population are insufficient to allow any conclusion about variant significance. To our knowledge, no occurrence of c.2053T>G in individuals affected with Nijmegen Breakage Syndrome and no experimental evidence demonstrating its impact on protein function have been reported. No clinical diagnostic laboratories have submitted clinical-significance assessments for this variant to ClinVar after 2014. Based on the evidence outlined above, the variant was classified as uncertain significance.

NM_002485.5(NBN):c.2053T>G (p.Phe685Val)

Gene: NBN (nibrin; minus strand). Cytogenetic location: 8q21.3.
Variant type: single nucleotide variant.
Coding change: c.2053T>G on transcript NM_002485.5 (MANE Select); coding-DNA position 2053, T replaced by G.
Protein change: p.Phe685Val; replaces phenylalanine 685 with valine.
Molecular consequence: missense variant.
Genome position (GRCh38, 1-based): chr8:89,946,157, A>C on the plus strand (T>G on the coding strand, the complement: NBN is on the minus strand). VCF-style: chr8-89946157-A-C. GRCh37 (hg19) VCF-style: chr8-90958385-A-C.
Other names: c.1807T>G, p.Phe603Val (NM_001024688.3); short protein forms F603V, F685V.
Identifiers: ClinVar variation 997902 (VCV000997902.1), dbSNP rs768715280, ClinGen allele CA371676353.
Genomic context (GRCh38, chr8:89,946,157, plus strand): 5'-CATTTCAAACACTGACCTCTTGTGATACAGTTGAAATACCTACCTTTTTGAATTTCTTGA[A>C]ATTTTTTAGTTGACCATAATCATCATTTATGCCAGATGGATTTCTGGAAGTAGAGTTTTT-3'
Protein context (NP_002476.2, residues 675-695): INDDYGQLKN[Phe685Val]KKFKKVTYPG